The following is an entry in ClinVar:

NM_001378454.1(ALMS1):c.10004G>A (p.Gly3335Glu)

Gene: ALMS1 (ALMS1 centrosome and basal body associated protein; plus strand). Cytogenetic location: 2p13.1.
Variant type: single nucleotide variant.
Coding change: c.10004G>A on transcript NM_001378454.1 (MANE Select); coding-DNA position 10004, G replaced by A.
Protein change: p.Gly3335Glu; replaces glycine 3335 with glutamic acid.
Molecular consequence: missense variant.
Genome position (GRCh38, 1-based): chr2:73,550,363, G>A. VCF-style: chr2-73550363-G-A. GRCh37 (hg19) VCF-style: chr2-73777490-G-A.
Other names: c.10007G>A, p.Gly3336Glu (NM_015120.4); short protein forms G3335E, G3336E.
Identifiers: ClinVar variation 2171675 (VCV002171675.3), dbSNP rs1344858585, ClinGen allele CA347272130.
Genomic context (GRCh38, chr2:73,550,363, plus strand): 5'-AGGTGCTAGGCACAAGAGATGATGACCTCTCAGCCACTGTTAACATTAAACATAAAGAAG[G>A]AATCTACAGTAAGAGGGTAGTGACTAAGGCATCCTTGCCAGTGGGAGAAAAACCCTTGCA-3'
Protein context (NP_001365383.1, residues 3325-3345): SATVNIKHKE[Gly3335Glu]IYSKRVVTKA

ClinVar aggregate classification (germline): Uncertain significance. Review status: criteria provided, multiple submitters, no conflicts (2 of 4 stars). 2 submissions from 2 submitters: Uncertain significance (2). Last evaluated 2023-05-16.

Conditions:
Cardiovascular phenotype. Identifiers: MedGen CN230736.
Alstrom syndrome (ALMS). Identifiers: Orphanet 64, MedGen C0268425, MONDO:0008763, OMIM 203800.

Allele frequency attached by ClinVar (database versions not stated): TOPMed below 0.00001; gnomAD 0.00001.
gnomAD v4.1: 11 of 1,614,064 alleles (0.00068%); highest among the groups gnomAD compares: East Asian, 0.0022%; no homozygotes.

Submissions (2):

Ambry Genetics
Classification: Uncertain significance for Cardiovascular phenotype. Last evaluated: 2023-05-16. Review status: criteria provided, single submitter. Criteria: Ambry Variant Classification Scheme 2023. Collection method: clinical testing. Allele origin: germline.
Comment: The p.G3336E variant (also known as c.10007G>A), located in coding exon 13 of the ALMS1 gene, results from a G to A substitution at nucleotide position 10007. The glycine at codon 3336 is replaced by glutamic acid, an amino acid with similar properties. This amino acid position is highly conserved in available vertebrate species. In addition, the in silico prediction for this alteration is inconclusive. Since supporting evidence is limited at this time, the clinical significance of this alteration remains unclear.

Labcorp Genetics (formerly Invitae), Labcorp
Classification: Uncertain significance for Alstrom syndrome. Last evaluated: 2022-05-28. Review status: criteria provided, single submitter. Criteria: Invitae Variant Classification Sherloc (09022015). Collection method: clinical testing. Allele origin: germline.
Comment: This sequence change replaces glycine, which is neutral and non-polar, with glutamic acid, which is acidic and polar, at codon 3336 of the ALMS1 protein (p.Gly3336Glu). This variant is not present in population databases (gnomAD no frequency). This variant has not been reported in the literature in individuals affected with ALMS1-related conditions. Experimental studies and prediction algorithms are not available or were not evaluated, and the functional significance of this variant is currently unknown. In summary, the available evidence is currently insufficient to determine the role of this variant in disease. Therefore, it has been classified as a Variant of Uncertain Significance.